The following is an entry in ClinVar:

ClinVar aggregate classification (germline): Uncertain significance (1 of 4 stars; one submission).

Conditions:
Clark-Baraitser syndrome. Also called: MENTAL RETARDATION, AUTOSOMAL DOMINANT 49; Intellectual disability, autosomal dominant 49; BARAITSER SYNDROME; Mental retardation, tall stature, obesity, macrocephaly and typical facial features. Identifiers: Orphanet 600731, MedGen C2931130, MONDO:0030914, OMIM 617752.

Submission:

Victorian Clinical Genetics Services, Murdoch Childrens Research Institute
Classification: Uncertain significance for Clark-Baraitser syndrome. Last evaluated: 2022-02-02. Review status: criteria provided, single submitter. Criteria: ACMG Guidelines, 2015. Collection method: clinical testing. Allele origin: germline. Inheritance: Autosomal dominant inheritance. Affected: yes.
Comment: Based on the classification scheme VCGS_Germline_v1.3.4, this variant is classified as VUS-3A. Following criteria are met: 0102 - Loss of function is a known mechanism of disease in this gene and is associated with Clark-Baraitser syndrome (MIM#617752). (I) 0107 - This gene is associated with autosomal dominant disease. (I) 0200 - Variant is predicted to result in a missense amino acid change from valine to glycine. (I) 0251 - This variant is heterozygous. (I) 0301 - Variant is absent from gnomAD (both v2 and v3). (SP) 0503 - Missense variant consistently predicted to be tolerated by multiple in silico tools or not conserved in placental mammals with a minor amino acid change. (SB) 0604 - Variant is not located in an established domain, motif, hotspot or informative constraint region. (I) 0705 - No comparable missense variants have previous evidence for pathogenicity. (I) 0807 - This variant has no previous evidence of pathogenicity. (I) 0905 - No published segregation evidence has been identified for this variant. (I) 1007 - No published functional evidence has been identified for this variant. (SP) Legend: (SP) - Supporting pathogenic, (I) - Information, (SB) - Supporting benign

NM_001348323.3(TRIP12):c.935T>G (p.Val312Gly)

Gene: TRIP12 (thyroid hormone receptor interactor 12; minus strand). Cytogenetic location: 2q36.3.
Variant type: single nucleotide variant.
Coding change: c.935T>G on transcript NM_001348323.3 (MANE Select); coding-DNA position 935, T replaced by G.
Protein change: p.Val312Gly; replaces valine 312 with glycine.
Molecular consequence: missense variant. On other transcripts: intron variant (3).
Genome position (GRCh38, 1-based): chr2:229,858,864, A>C on the plus strand (T>G on the coding strand, the complement: TRIP12 is on the minus strand). VCF-style: chr2-229858864-A-C. GRCh37 (hg19) VCF-style: chr2-230723580-A-C.
Other names: c.935T>G, p.Val312Gly (NM_001284214.2, NM_001348315.2, NM_001348319.1 and 13 more transcripts); c.809T>G, p.Val270Gly (NM_001284215.2, NM_001348316.2, NM_001348317.1 and 3 more transcripts); c.98+21118T>G (NM_001284216.2); c.881-33T>G (NM_001348332.1, NM_001348334.1); short protein forms V270G, V312G.
Identifiers: ClinVar variation 1805108 (VCV001805108.1), dbSNP rs2475899699, ClinGen allele CA350894194.